The following is an entry in ClinVar:

NM_004004.6(GJB2):c.302AGA[2] (p.Lys103del)

Gene: GJB2 (gap junction protein beta 2; minus strand). Cytogenetic location: 13q12.11.
Variant type: Microsatellite.
Coding change: c.302AGA[2] on transcript NM_004004.6 (MANE Select); two copies in a row of the 3-base unit AGA starting at c.302; the reference has three copies in a row; one copy, 3 bases deleted.
Protein change: p.Lys103del; deletes lysine 103.
Molecular consequence: inframe deletion.
Genome position (GRCh38, 1-based): chr13:20,189,272-20,189,274, TCT deleted on the plus strand (AGA on the coding strand, the reverse complement: GJB2 is on the minus strand); deleting any 3 consecutive bases within chr13:20,189,272-20,189,280 gives the same sequence; the position shown is the placement nearest the transcript's 3' end. VCF-style (leftmost placement, unchanged base first): chr13-20189271-CTCT-C. GRCh37 (hg19) VCF-style: chr13-20763410-CTCT-C.
Other names: short protein forms K103del.
Identifiers: ClinVar variation 496219 (VCV000496219.1), dbSNP rs1555341934, ClinGen allele CA645587645.

ClinVar aggregate classification (germline): Uncertain significance (1 of 4 stars; one submission).

Submission:

Women's Health and Genetics/Laboratory Corporation of America, LabCorp
Classification: Uncertain significance. Last evaluated: 2017-06-06. Review status: criteria provided, single submitter. Criteria: LabCorp Variant Classification Summary - May 2015. Collection method: clinical testing. Allele origin: germline.
Comment: Variant summary: The GJB2 c.308_310delAGA (p.Lys103del) variant involves the deletion of 3 nucleotides, leading to an in-frame deletion of a lysine residue in the connexin, N-terminal domain (InterPro). One in silico tool predicts a damaging outcome for this variant. This variant is absent from the large control database ExAC (0/121232 control chromosomes). To our knowledge, the variant of interest has not been reported in affected individuals via publications, nor has it been evaluated for functional impact by in vivo/vitro studies. Due to the absence of clinical information and the lack of functional studies, the variant is classified as a variant of uncertain significance (VUS) until additional information becomes available.